The following is an entry in ClinVar:

NM_004727.3(SLC24A1):c.2348G>T (p.Gly783Val)

Gene: SLC24A1 (solute carrier family 24 member 1; plus strand). Cytogenetic location: 15q22.31.
Variant type: single nucleotide variant.
Coding change: c.2348G>T on transcript NM_004727.3 (MANE Select); coding-DNA position 2348, G replaced by T.
Protein change: p.Gly783Val; replaces glycine 783 with valine.
Molecular consequence: missense variant.
Genome position (GRCh38, 1-based): chr15:65,650,497, G>T. VCF-style: chr15-65650497-G-T. GRCh37 (hg19) VCF-style: chr15-65942835-G-T.
Other names: c.329G>T, p.Gly110Val (NM_001254740.2); c.2348G>T, p.Gly783Val (NM_001301031.1); c.2294G>T, p.Gly765Val (NM_001301032.1, NM_001301033.2); short protein forms G765V, G110V, G783V.
Identifiers: ClinVar variation 1490640 (VCV001490640.4), dbSNP rs2075459186, ClinGen allele CA392898937.

ClinVar aggregate classification (germline): Uncertain significance (1 of 4 stars; one submission).

Allele frequency attached by ClinVar (database versions not stated): TOPMed below 0.00001; gnomAD exomes 0.00001; gnomAD 0.00002.
gnomAD v4.1: 11 of 1,551,552 alleles (0.00071%); highest among the groups gnomAD compares: Non-Finnish European, 0.00096%; no homozygotes.

Submission:

Labcorp Genetics (formerly Invitae), Labcorp
Classification: Uncertain significance. Last evaluated: 2021-11-19. Review status: criteria provided, single submitter. Criteria: Invitae Variant Classification Sherloc (09022015). Collection method: clinical testing. Allele origin: germline.
Comment: This variant has not been reported in the literature in individuals affected with SLC24A1-related conditions. In summary, the available evidence is currently insufficient to determine the role of this variant in disease. Therefore, it has been classified as a Variant of Uncertain Significance. Algorithms developed to predict the effect of missense changes on protein structure and function are either unavailable or do not agree on the potential impact of this missense change (SIFT: "Deleterious"; PolyPhen-2: "Benign"; Align-GVGD: "Class C0"). This variant is not present in population databases (gnomAD no frequency). This sequence change replaces glycine, which is neutral and non-polar, with valine, which is neutral and non-polar, at codon 783 of the SLC24A1 protein (p.Gly783Val).